The following is an entry in ClinVar:

NM_013447.4(ADGRE2):c.1064T>C (p.Phe355Ser)

Gene: ADGRE2 (adhesion G protein-coupled receptor E2; minus strand). Cytogenetic location: 19p13.12.
Variant type: single nucleotide variant.
Coding change: c.1064T>C on transcript NM_013447.4 (MANE Select); coding-DNA position 1064, T replaced by C.
Protein change: p.Phe355Ser; replaces phenylalanine 355 with serine.
Molecular consequence: missense variant.
Genome position (GRCh38, 1-based): chr19:14,764,453, A>G on the plus strand (T>C on the coding strand, the complement: ADGRE2 is on the minus strand). VCF-style: chr19-14764453-A-G. GRCh37 (hg19) VCF-style: chr19-14875265-A-G.
Other names: c.1064T>C, p.Phe355Ser (NM_001271052.1); c.917T>C, p.Phe306Ser (NM_152916.2); c.785T>C, p.Phe262Ser (NM_152917.2); short protein forms F306S, F262S, F355S.
Identifiers: ClinVar variation 1944724 (VCV001944724.5), dbSNP rs774354109, ClinGen allele CA9257821.

ClinVar aggregate classification (germline): Uncertain significance (1 of 4 stars; one submission).

Allele frequency attached by ClinVar (database versions not stated): gnomAD 0.00001; gnomAD exomes 0.00001; ExAC 0.00003; TOPMed 0.00006.
gnomAD v4.1: 22 of 1,612,988 alleles (0.0014%); highest among the groups gnomAD compares: Admixed American, 0.013%; no homozygotes.

Submission:

Labcorp Genetics (formerly Invitae), Labcorp
Classification: Uncertain significance. Last evaluated: 2025-12-23. Review status: criteria provided, single submitter. Criteria: Invitae Variant Classification Sherloc (09022015). Collection method: clinical testing. Allele origin: germline.
Comment: This sequence change replaces phenylalanine, which is neutral and non-polar, with serine, which is neutral and polar, at codon 355 of the ADGRE2 protein (p.Phe355Ser). This variant is present in population databases (rs774354109, gnomAD 0.01%). This variant has not been reported in the literature in individuals affected with ADGRE2-related conditions. ClinVar contains an entry for this variant (Variation ID: 1944724). An algorithm developed to predict the effect of missense changes on protein structure and function outputs the following: PolyPhen-2: "Benign". The serine amino acid residue is found in multiple mammalian species, which suggests that this missense change does not adversely affect protein function. In summary, the available evidence is currently insufficient to determine the role of this variant in disease. Therefore, it has been classified as a Variant of Uncertain Significance.